The following is an entry in ClinVar:

NM_145177.3(DHRSX):c.577A>G (p.Met193Val)

Gene: DHRSX (dehydrogenase/reductase X-linked; minus strand). Cytogenetic location: Xp22.33.
Variant type: single nucleotide variant.
Coding change: c.577A>G on transcript NM_145177.3 (MANE Select); coding-DNA position 577, A replaced by G.
Protein change: p.Met193Val; replaces methionine 193 with valine.
Molecular consequence: missense variant.
Genome position (GRCh38, 1-based): chrX:2,266,759, T>C on the plus strand (A>G on the coding strand, the complement: DHRSX is on the minus strand). VCF-style: chrX-2266759-T-C. GRCh37 (hg19) VCF-style: chrX-2184800-T-C.
Other names: short protein forms M193V.
Identifiers: ClinVar variation 4874914 (VCV004874914.2).
Genomic context (GRCh38, chrX:2,266,759, plus strand): 5'-CACCTGAGATGCTGTTATGATTATTCACAGGGTGCACCTACCTGCTCTGAAGGTCATCCA[T>C]GTTCAGCTCAGCGACGTAATGGGTGGCAGAGGAGACGGTGACCACCCTCGCACTGTGGCC-3'
Protein context (NP_660160.2, residues 183-203): SATHYVAELN[Met193Val]DDLQSSACYS

ClinVar aggregate classification (germline): Likely benign (1 of 4 stars; one submission).

Submission:

CeGaT Center for Human Genetics Tuebingen
Classification: Likely benign. Last evaluated: 2026-05-01. Review status: criteria provided, single submitter. Criteria: CeGaT Center For Human Genetics Tuebingen Variant Classification Criteria Version 2. Collection method: clinical testing. Allele origin: germline. Affected: yes. Observed: 1 variant allele.
Comment: DHRSX: BS2